The following is an entry in ClinVar:

NM_002335.4(LRP5):c.1696C>T (p.Arg566Cys)

Gene: LRP5 (LDL receptor related protein 5; plus strand). Cytogenetic location: 11q13.2.
Variant type: single nucleotide variant.
Coding change: c.1696C>T on transcript NM_002335.4 (MANE Select); coding-DNA position 1696, C replaced by T.
Protein change: p.Arg566Cys; replaces arginine 566 with cysteine.
Molecular consequence: missense variant. On other transcripts: 5 prime UTR variant (1).
Genome position (GRCh38, 1-based): chr11:68,403,594, C>T. VCF-style: chr11-68403594-C-T. GRCh37 (hg19) VCF-style: chr11-68171062-C-T.
Other names: c.-242C>T (NM_001291902.2); short protein forms R566C.
Identifiers: ClinVar variation 1489393 (VCV001489393.9), dbSNP rs775233316, ClinGen allele CA6149409.

ClinVar aggregate classification (germline): Uncertain significance. Review status: criteria provided, multiple submitters, no conflicts (2 of 4 stars). 2 submissions from 2 submitters: Uncertain significance (2). Last evaluated 2024-06-13.

Allele frequency attached by ClinVar (database versions not stated): gnomAD exomes below 0.00001 and 0.00001; TOPMed below 0.00001; ExAC 0.00001.
gnomAD v4.1: 7 of 1,614,170 alleles (0.00043%); highest among the groups gnomAD compares: Admixed American, 0.005%; no homozygotes.

Submissions (2):

Labcorp Genetics (formerly Invitae), Labcorp
Classification: Uncertain significance. Last evaluated: 2024-06-13. Review status: criteria provided, single submitter. Criteria: Invitae Variant Classification Sherloc (09022015). Collection method: clinical testing. Allele origin: germline.
Comment: This sequence change replaces arginine, which is basic and polar, with cysteine, which is neutral and slightly polar, at codon 566 of the LRP5 protein (p.Arg566Cys). This variant is present in population databases (rs775233316, gnomAD 0.003%). This variant has not been reported in the literature in individuals affected with LRP5-related conditions. ClinVar contains an entry for this variant (Variation ID: 1489393). Advanced modeling of protein sequence and biophysical properties (such as structural, functional, and spatial information, amino acid conservation, physicochemical variation, residue mobility, and thermodynamic stability) has been performed at Invitae for this missense variant, however the output from this modeling did not meet the statistical confidence thresholds required to predict the impact of this variant on LRP5 protein function. In summary, the available evidence is currently insufficient to determine the role of this variant in disease. Therefore, it has been classified as a Variant of Uncertain Significance.

Blueprint Genetics
Classification: Uncertain significance. Last evaluated: 2022-09-30. Review status: criteria provided, single submitter. Criteria: ACMG Guidelines, 2015. Collection method: clinical testing. Allele origin: germline.